The following is an entry in ClinVar:

ClinVar aggregate classification (germline): Pathogenic (1 of 4 stars; one submission).

Conditions:
Primary ciliary dyskinesia. Also called: Ciliary dyskinesia. Identifiers: Orphanet 244, MedGen C0008780, MONDO:0016575, HP:0012265.

Submission:

Labcorp Genetics (formerly Invitae), Labcorp
Classification: Pathogenic for Primary ciliary dyskinesia. Last evaluated: 2023-05-07. Review status: criteria provided, single submitter. Criteria: Invitae Variant Classification Sherloc (09022015). Collection method: clinical testing. Allele origin: germline.
Comment: For these reasons, this variant has been classified as Pathogenic. This variant has not been reported in the literature in individuals affected with DNAH11-related conditions. This variant is not present in population databases (gnomAD no frequency). This sequence change creates a premature translational stop signal (p.Lys1250Asnfs*43) in the DNAH11 gene. It is expected to result in an absent or disrupted protein product. Loss-of-function variants in DNAH11 are known to be pathogenic (PMID: 18022865, 20513915, 22184204).

Literature cited by the submitters: PubMed 18022865; PubMed 20513915; PubMed 22184204.

NM_001277115.2(DNAH11):c.3744del (p.Lys1250fs)

Gene: DNAH11 (dynein axonemal heavy chain 11; plus strand). Cytogenetic location: 7p15.3.
Variant type: Deletion.
Coding change: c.3744del on transcript NM_001277115.2 (MANE Select); coding-DNA position 3744, one base deleted (G; older notation c.3744delG).
Protein change: p.Lys1250fs; shifts the reading frame from lysine 1250.
Molecular consequence: frameshift variant.
Genome position (GRCh38, 1-based): chr7:21,606,521, G deleted; the last of 2 consecutive G bases (chr7:21,606,520-21,606,521); deleting either gives the same sequence. VCF-style (leftmost placement, unchanged base first): chr7-21606519-AG-A. GRCh37 (hg19) VCF-style: chr7-21646137-AG-A.
Other names: c.3744delG, p.Lys1250Asnfs (NM_003777.3); short protein forms K1250fs.
Identifiers: ClinVar variation 2862578 (VCV002862578.3), dbSNP rs2534653912, ClinGen allele CA2739266300.
Genomic context (GRCh38, chr7:21,606,519, plus strand): 5'-ATCGCAGCAACTGTCAGACATGAAGTCTCACCTCTCCATAATGCGGAAGTCACTCTTATA[AG>A]GAAAAAATGTATTTTGTTTGACGTAAGCTAGTTACCAAGTTTTTGTTTTAAGAAAGGTTT-3'